The following is an entry in ClinVar:

ClinVar aggregate classification (germline): Pathogenic (1 of 4 stars; one submission).

Submission:

CeGaT Center for Human Genetics Tuebingen
Classification: Pathogenic. Last evaluated: 2025-03-01. Review status: criteria provided, single submitter. Criteria: CeGaT Center For Human Genetics Tuebingen Variant Classification Criteria Version 2. Collection method: clinical testing. Allele origin: germline. Affected: yes. Observed: 1 variant allele.
Comment: NF1: PVS1, PM2

NM_001042492.3(NF1):c.3183_3187del (p.Lys1062fs)

Gene: NF1 (neurofibromin 1; plus strand). Cytogenetic location: 17q11.2.
Variant type: Deletion.
Coding change: c.3183_3187del on transcript NM_001042492.3 (MANE Select); coding-DNA positions 3183 to 3187, 5 bases deleted (AAAAT; older notation c.3183_3187delAAAAT).
Protein change: p.Lys1062fs; shifts the reading frame from lysine 1062.
Molecular consequence: frameshift variant.
Genome position (GRCh38, 1-based): chr17:31,230,911-31,230,915, AAAAT deleted; deleting any 5 consecutive bases within chr17:31,230,910-31,230,915 gives the same sequence; the c. name uses the placement nearest the transcript's 3' end. VCF-style (leftmost placement, unchanged base first): chr17-31230909-GTAAAA-G. GRCh37 (hg19) VCF-style: chr17-29557927-GTAAAA-G.
Other names: c.3183_3187delAAAAT, p.Lys1062Serfs (NM_000267.4); short protein forms K1062fs.
Identifiers: ClinVar variation 3778607 (VCV003778607.7).
Genomic context (GRCh38, chr17:31,230,909, plus strand): 5'-ATGGTAGAATACCTGACAGACTGGGTTATGGGAACATCAAACCAAGCAGCAGATGATGAT[GTAAAA>G]TGTCTTACAAGGTAAAAAAAGAATGACCTTCAAGTATTAGTGGGTTTTACTGTGAGAGTT-3'